The following is an entry in ClinVar:

NM_001161352.2(KCNMA1):c.103A>C (p.Ser35Arg)

Gene: KCNMA1 (potassium calcium-activated channel subfamily M alpha 1; minus strand). Cytogenetic location: 10q22.3.
Variant type: single nucleotide variant.
Coding change: c.103A>C on transcript NM_001161352.2 (MANE Select); coding-DNA position 103, A replaced by C.
Protein change: p.Ser35Arg; replaces serine 35 with arginine.
Molecular consequence: missense variant.
Genome position (GRCh38, 1-based): chr10:77,637,540, T>G on the plus strand (A>C on the coding strand, the complement: KCNMA1 is on the minus strand). VCF-style: chr10-77637540-T-G. GRCh37 (hg19) VCF-style: chr10-79397298-T-G.
Other names: c.103A>C, p.Ser35Arg (NM_001014797.3, NM_001161353.2, NM_001271518.2 and 15 more transcripts); short protein forms S35R.
Identifiers: ClinVar variation 4692663 (VCV004692663.1).
Genomic context (GRCh38, chr10:77,637,540, plus strand): 5'-AGGAGGAGGAAGAAGAAGAAGAGGAAGAGGAGGAGGAGGAGGAGGAGGACGCGTCTAGGC[T>G]GAGATGGTTCGCGTGGATATTGCTACTCATTCTAAGACTGCTGCCTCCGCCGCCGCCGCC-3'
Protein context (NP_001154824.1, residues 25-45): MSSNIHANHL[Ser35Arg]LDASSSSSSS

ClinVar aggregate classification (germline): Uncertain significance (1 of 4 stars; one submission).

Conditions:
Generalized epilepsy-paroxysmal dyskinesia syndrome (PNKD3). Also called: Generalized epilepsy and paroxysmal dyskinesia; Paroxysmal nonkinesigenic dyskinesia, 3, with or without generalized epilepsy. Identifiers: Orphanet 79137, MedGen C5574945, MONDO:0012276, OMIM 609446.

gnomAD v4.1: 41 of 1,545,976 alleles (0.0027%); highest among the groups gnomAD compares: Non-Finnish European, 0.0014%; no homozygotes.

Submission:

Labcorp Genetics (formerly Invitae), Labcorp
Classification: Uncertain significance for Generalized epilepsy-paroxysmal dyskinesia syndrome. Last evaluated: 2025-09-23. Review status: criteria provided, single submitter. Criteria: Invitae Variant Classification Sherloc (09022015). Collection method: clinical testing. Allele origin: germline.
Comment: This sequence change replaces serine, which is neutral and polar, with arginine, which is basic and polar, at codon 35 of the KCNMA1 protein (p.Ser35Arg). This variant is present in population databases (rs755591362, gnomAD 0.03%). This variant has not been reported in the literature in individuals affected with KCNMA1-related conditions. An algorithm developed to predict the effect of missense changes on protein structure and function (PolyPhen-2) suggests that this variant is likely to be disruptive. In summary, the available evidence is currently insufficient to determine the role of this variant in disease. Therefore, it has been classified as a Variant of Uncertain Significance.